The following is an entry in ClinVar:

ClinVar aggregate classification (germline): Uncertain significance (1 of 4 stars; one submission).

Submission:

Dasa
Classification: Uncertain significance. Last evaluated: 2025-07-10. Review status: criteria provided, single submitter. Criteria: DASA Assertion Criteria. Collection method: clinical testing. Allele origin: germline.
Comment: NM_006268.5(DPF2):c.466C>T (p.Arg156Trp) is a missense variant that results in the substitution of arginine with tryptophan. This variant is rare in population databases. Computational prediction algorithms are consistent with a deleterious effect. The currently available literature and clinical evidence are not sufficient to establish a definitive association between this variant and the reported condition. Therefore, this variant is classified as a variant of uncertain significance.

NM_006268.5(DPF2):c.466C>T (p.Arg156Trp)

Gene: DPF2 (double PHD fingers 2; plus strand). Cytogenetic location: 11q13.1.
Variant type: single nucleotide variant.
Coding change: c.466C>T on transcript NM_006268.5 (MANE Select); coding-DNA position 466, C replaced by T.
Protein change: p.Arg156Trp; replaces arginine 156 with tryptophan.
Molecular consequence: missense variant.
Genome position (GRCh38, 1-based): chr11:65,343,745, C>T. VCF-style: chr11-65343745-C-T. GRCh37 (hg19) VCF-style: chr11-65111216-C-T.
Other names: c.466C>T, p.Arg156Trp (NM_001330308.2); short protein forms R156W.
Identifiers: ClinVar variation 4885615 (VCV004885615.2).